The following is an entry in ClinVar:

NM_003839.4(TNFRSF11A):c.932_933inv (p.Thr311Met)

Gene: TNFRSF11A (TNF receptor superfamily member 11a; plus strand). Cytogenetic location: 18q21.33.
Variant type: Inversion.
Coding change: c.932_933inv on transcript NM_003839.4 (MANE Select).
Protein change: p.Thr311Met; replaces threonine 311 with methionine.
Molecular consequence: missense variant. On other transcripts: intron variant (3).
Genome position: GRCh38 VCF-style: chr18-62368849-CA-TG. GRCh37 (hg19) VCF-style: chr18-60036082-CA-TG.
Other names: c.890_891inv, p.Thr297Met (NM_001278268.2); c.783+2089_783+2090inv (NM_001270949.2); c.730+7056_730+7057inv (NM_001270950.2); c.616+8800_616+8801inv (NM_001270951.2); short protein forms T311M, T297M.
Identifiers: ClinVar variation 1387300 (VCV001387300.7), ClinGen allele CA2573155501.
Genomic context (GRCh38, chr18:62,368,849, plus strand): 5'-AGGAGAAGACATTTCCAGAAGATATGTGCTACCCAGATCAAGGTGGTGTCTGTCAGGGCA[CA>TG]TGTGTAGGAGGTGGTCCCTACGCACAAGGCGAAGATGCCAGGATGCTCTCATTGGTCAGC-3'
Protein context (NP_003830.1, residues 301-321): YPDQGGVCQG[Thr311Met]CVGGGPYAQG

ClinVar aggregate classification (germline): Uncertain significance (1 of 4 stars; one submission).

Submission:

Labcorp Genetics (formerly Invitae), Labcorp
Classification: Uncertain significance. Last evaluated: 2026-01-23. Review status: criteria provided, single submitter. Criteria: Invitae Variant Classification Sherloc (09022015). Collection method: clinical testing. Allele origin: germline.
Comment: This sequence change replaces threonine, which is neutral and polar, with methionine, which is neutral and non-polar, at codon 311 of the TNFRSF11A protein (p.Thr311Met). The frequency data for this variant in the population databases is considered unreliable, as metrics indicate poor data quality at this position in the gnomAD database. This variant has not been reported in the literature in individuals affected with TNFRSF11A-related conditions. ClinVar contains an entry for this variant (Variation ID: 1387300). An algorithm developed to predict the effect of missense changes on protein structure and function (PolyPhen-2) suggests that this variant is likely to be tolerated. In summary, the available evidence is currently insufficient to determine the role of this variant in disease. Therefore, it has been classified as a Variant of Uncertain Significance.